The following is an entry in ClinVar:

NM_002485.5(NBN):c.765G>C (p.Glu255Asp)

Gene: NBN (nibrin; minus strand). Cytogenetic location: 8q21.3.
Variant type: single nucleotide variant.
Coding change: c.765G>C on transcript NM_002485.5 (MANE Select); coding-DNA position 765, G replaced by C.
Protein change: p.Glu255Asp; replaces glutamic acid 255 with aspartic acid.
Molecular consequence: missense variant.
Genome position (GRCh38, 1-based): chr8:89,970,495, C>G on the plus strand (G>C on the coding strand, the complement: NBN is on the minus strand). VCF-style: chr8-89970495-C-G. GRCh37 (hg19) VCF-style: chr8-90982723-C-G.
Other names: c.519G>C, p.Glu173Asp (NM_001024688.3); short protein forms E173D, E255D.
Identifiers: ClinVar variation 1172118 (VCV001172118.9), dbSNP rs2129830286, ClinGen allele CA371658728.

ClinVar aggregate classification (germline): Uncertain significance. Review status: criteria provided, multiple submitters, no conflicts (2 of 4 stars). 3 submissions from 3 submitters: Uncertain significance (3). Last evaluated 2023-05-18.

Conditions:
Microcephaly, normal intelligence and immunodeficiency (NBS). Also called: Ataxia telangiectasia variant V1; IMMUNODEFICIENCY, MICROCEPHALY, AND CHROMOSOMAL INSTABILITY; Immunodeficiency, microcephaly with normal intelligence; BERLIN BREAKAGE SYNDROME; SEEMANOVA SYNDROME II; Nijmegen breakage syndrome. Identifiers: Orphanet 647, MedGen C0398791, MONDO:0009623, OMIM 251260.

Submissions (3):

Labcorp Genetics (formerly Invitae), Labcorp
Classification: Uncertain significance for Microcephaly, normal intelligence and immunodeficiency. Last evaluated: 2023-05-18. Review status: criteria provided, single submitter. Criteria: Invitae Variant Classification Sherloc (09022015). Collection method: clinical testing. Allele origin: germline.
Comment: In summary, the available evidence is currently insufficient to determine the role of this variant in disease. Therefore, it has been classified as a Variant of Uncertain Significance. Algorithms developed to predict the effect of missense changes on protein structure and function output the following: SIFT: "Not Available"; PolyPhen-2: "Benign"; Align-GVGD: "Not Available". The aspartic acid amino acid residue is found in multiple mammalian species, which suggests that this missense change does not adversely affect protein function. ClinVar contains an entry for this variant (Variation ID: 1172118). This variant has not been reported in the literature in individuals affected with NBN-related conditions. This variant is not present in population databases (gnomAD no frequency). This sequence change replaces glutamic acid, which is acidic and polar, with aspartic acid, which is acidic and polar, at codon 255 of the NBN protein (p.Glu255Asp).

Genome-Nilou Lab
Classification: Uncertain significance for Microcephaly, normal intelligence and immunodeficiency. Last evaluated: 2021-11-07. Review status: criteria provided, single submitter. Criteria: ACMG Guidelines, 2015. Collection method: clinical testing. Allele origin: germline. Affected: no.

GeneDx
Classification: Uncertain significance. Last evaluated: 2019-12-20. Review status: criteria provided, single submitter. Criteria: GeneDx Variant Classification Process June 2021. Collection method: clinical testing. Allele origin: germline. Affected: yes.
Comment: Not observed in large population cohorts (Lek et al., 2016); In silico analysis, which includes protein predictors and evolutionary conservation, supports that this variant does not alter protein structure/function; Has not been previously published as pathogenic or benign to our knowledge